The following is an entry in ClinVar:

NM_003906.5(MCM3AP):c.5873G>A (p.Arg1958Gln)

Genes: MCM3AP (minichromosome maintenance complex component 3 associated protein; minus strand), MCM3AP-AS1 (MCM3AP antisense RNA 1; plus strand). Cytogenetic location: 21q22.3.
Variant type: single nucleotide variant.
Coding change: c.5873G>A on transcript NM_003906.5 (MANE Select); coding-DNA position 5873, G replaced by A.
Protein change: p.Arg1958Gln; replaces arginine 1958 with glutamine.
Molecular consequence: missense variant.
Genome position (GRCh38, 1-based): chr21:46,235,338, C>T on the plus strand (G>A on the coding strand, the complement: MCM3AP is on the minus strand). VCF-style: chr21-46235338-C-T. GRCh37 (hg19) VCF-style: chr21-47655252-C-T.
Other names: short protein forms R1958Q.
Identifiers: ClinVar variation 1396938 (VCV001396938.5), dbSNP rs559155265, ClinGen allele CA10075712.

ClinVar aggregate classification (germline): Uncertain significance (1 of 4 stars; one submission).

Allele frequency attached by ClinVar (database versions not stated): TOPMed 0.00001; gnomAD 0.00002; ExAC 0.00004; gnomAD exomes 0.00004; 1000 Genomes Project 0.00060; 1000 Genomes Project 30x 0.00062.
gnomAD v4.1: 68 of 1,614,166 alleles (0.0042%); highest among the groups gnomAD compares: Non-Finnish European, 0.0051%; no homozygotes.

Submission:

Labcorp Genetics (formerly Invitae), Labcorp
Classification: Uncertain significance. Last evaluated: 2022-04-28. Review status: criteria provided, single submitter. Criteria: Invitae Variant Classification Sherloc (09022015). Collection method: clinical testing. Allele origin: germline.
Comment: This sequence change replaces arginine, which is basic and polar, with glutamine, which is neutral and polar, at codon 1958 of the MCM3AP protein (p.Arg1958Gln). This variant is present in population databases (rs559155265, gnomAD 0.01%). This variant has not been reported in the literature in individuals affected with MCM3AP-related conditions. Algorithms developed to predict the effect of missense changes on protein structure and function output the following: SIFT: "Tolerated"; PolyPhen-2: "Benign"; Align-GVGD: "Class C0". The glutamine amino acid residue is found in multiple mammalian species, which suggests that this missense change does not adversely affect protein function. In summary, the available evidence is currently insufficient to determine the role of this variant in disease. Therefore, it has been classified as a Variant of Uncertain Significance.